The following is an entry in ClinVar:

NM_001710.6(CFB):c.458G>T (p.Gly153Val)

Gene: CFB (complement factor B; plus strand). Cytogenetic location: 6p21.33.
Variant type: single nucleotide variant.
Coding change: c.458G>T on transcript NM_001710.6 (MANE Select); coding-DNA position 458, G replaced by T.
Protein change: p.Gly153Val; replaces glycine 153 with valine.
Molecular consequence: missense variant.
Genome position (GRCh38, 1-based): chr6:31,947,166, G>T. VCF-style: chr6-31947166-G-T. GRCh37 (hg19) VCF-style: chr6-31914943-G-T.
Other names: short protein forms G153V.
Identifiers: ClinVar variation 2067935 (VCV002067935.4), dbSNP rs1771480996, ClinGen allele CA363391559.

ClinVar aggregate classification (germline): Uncertain significance (1 of 4 stars; one submission).

Allele frequency attached by ClinVar (database versions not stated): TOPMed below 0.00001.

Submission:

Labcorp Genetics (formerly Invitae), Labcorp
Classification: Uncertain significance. Last evaluated: 2022-07-06. Review status: criteria provided, single submitter. Criteria: Invitae Variant Classification Sherloc (09022015). Collection method: clinical testing. Allele origin: germline.
Comment: This variant is not present in population databases (gnomAD no frequency). This variant has not been reported in the literature in individuals affected with CFB-related conditions. Algorithms developed to predict the effect of missense changes on protein structure and function are either unavailable or do not agree on the potential impact of this missense change (SIFT: "Deleterious"; PolyPhen-2: "Probably Damaging"; Align-GVGD: "Class C0"). In summary, the available evidence is currently insufficient to determine the role of this variant in disease. Therefore, it has been classified as a Variant of Uncertain Significance. This sequence change replaces glycine, which is neutral and non-polar, with valine, which is neutral and non-polar, at codon 153 of the CFB protein (p.Gly153Val).